The following is an entry in ClinVar:

ClinVar aggregate classification (germline): Conflicting classifications of pathogenicity. Review status: criteria provided, conflicting classifications (1 of 4 stars). 6 submissions from 4 submitters: Uncertain significance (5); Likely benign (1). Last evaluated 2025-08-12.

Conditions:
Hereditary spherocytosis type 3. Also called: SPTA1-Related Spherocytosis; Spherocytosis type 3. Identifiers: Orphanet 822, MedGen C2678338, MONDO:0010053, OMIM 270970.
Elliptocytosis 2 (EL2). Also called: ELLIPTOCYTOSIS, RHESUS-UNLINKED TYPE. Identifiers: Orphanet 288, MedGen C1851741, MONDO:0007533, OMIM 130600.
Pyropoikilocytosis, hereditary. Also called: Pyropoikilocytosis. Identifiers: MedGen C0520739, MONDO:0009948, OMIM 266140, HP:0004839. Disease mechanism: loss of function.

Allele frequency attached by ClinVar (database versions not stated): ExAC 0.00005; gnomAD 0.00006 and 0.00008; gnomAD exomes 0.00006; TOPMed 0.00012.

Submissions (6):

Mayo Clinic Laboratories, Mayo Clinic
Classification: Uncertain significance. Last evaluated: 2025-08-12. Review status: criteria provided, single submitter. Criteria: ACMG Guidelines, 2015. Collection method: clinical testing. Allele origin: germline. Observed: 1 variant allele.
Comment: BP4, PM2_supporting

Labcorp Genetics (formerly Invitae), Labcorp
Classification: Likely benign. Last evaluated: 2024-09-06. Review status: criteria provided, single submitter. Criteria: Invitae Variant Classification Sherloc (09022015). Collection method: clinical testing. Allele origin: germline.

Illumina Laboratory Services, Illumina
Classification: Uncertain significance for Elliptocytosis 2. Last evaluated: 2018-01-12. Review status: criteria provided, single submitter. Criteria: ICSL Variant Classification Criteria 13 December 2019. Collection method: clinical testing. Allele origin: germline.

Illumina Laboratory Services, Illumina
Classification: Uncertain significance for Pyropoikilocytosis, hereditary. Last evaluated: 2018-01-12. Review status: criteria provided, single submitter. Criteria: ICSL Variant Classification Criteria 13 December 2019. Collection method: clinical testing. Allele origin: germline.

Illumina Laboratory Services, Illumina
Classification: Uncertain significance for Hereditary spherocytosis type 3. Last evaluated: 2018-01-12. Review status: criteria provided, single submitter. Criteria: ICSL Variant Classification Criteria 13 December 2019. Collection method: clinical testing. Allele origin: germline.

Breakthrough Genomics
Classification: Uncertain significance. Review status: criteria provided, single submitter. Criteria: ACMG Guidelines, 2015. Collection method: not provided. Allele origin: germline. Inheritance: Autosomal recessive inheritance. Affected: yes.

NM_003126.4(SPTA1):c.1588G>A (p.Glu530Lys)

Gene: SPTA1 (spectrin alpha, erythrocytic 1; minus strand). Cytogenetic location: 1q23.1.
Variant type: single nucleotide variant.
Coding change: c.1588G>A on transcript NM_003126.4 (MANE Select); coding-DNA position 1588, G replaced by A.
Protein change: p.Glu530Lys; replaces glutamic acid 530 with lysine.
Molecular consequence: missense variant.
Genome position (GRCh38, 1-based): chr1:158,671,354, C>T on the plus strand (G>A on the coding strand, the complement: SPTA1 is on the minus strand). VCF-style: chr1-158671354-C-T. GRCh37 (hg19) VCF-style: chr1-158641144-C-T.
Other names: p.Glu530Lys; short protein forms E530K.
Identifiers: ClinVar variation 876787 (VCV000876787.8), dbSNP rs767641820, ClinGen allele CA1183711.